The following is an entry in ClinVar:

NM_020821.3(VPS13C):c.8188C>T (p.Arg2730Cys)

Gene: VPS13C (vacuolar protein sorting 13 homolog C; minus strand). Cytogenetic location: 15q22.2.
Variant type: single nucleotide variant.
Coding change: c.8188C>T on transcript NM_020821.3 (MANE Select); coding-DNA position 8188, C replaced by T.
Protein change: p.Arg2730Cys; replaces arginine 2730 with cysteine.
Molecular consequence: missense variant.
Genome position (GRCh38, 1-based): chr15:61,915,890, G>A on the plus strand (C>T on the coding strand, the complement: VPS13C is on the minus strand). VCF-style: chr15-61915890-G-A. GRCh37 (hg19) VCF-style: chr15-62208089-G-A.
Other names: p.Arg2730Cys; c.8188C>T, p.Arg2730Cys (NM_001018088.3); c.8059C>T, p.Arg2687Cys (NM_017684.5, NM_018080.4); short protein forms R2730C, R2687C.
Identifiers: ClinVar variation 779839 (VCV000779839.12), dbSNP rs35236516, ClinGen allele CA7595057.
Genomic context (GRCh38, chr15:61,915,890, plus strand): 5'-TCGTCACTTCTGTGGAGTCAGAAGAAAAACACACAGGAAAGAATTCTGGTAGTGTATCAC[G>A]TATGCGGAAATGTCCATTCCAGTTTTTGCCCTGGTATTTCACCAGGACTAATTCCATTAT-3'
Protein context (NP_065872.1, residues 2720-2740): GKNWNGHFRI[Arg2730Cys]DTLPEFFPVC

ClinVar aggregate classification (germline): Benign. Review status: criteria provided, multiple submitters, no conflicts (2 of 4 stars). 3 submissions from 3 submitters: Benign (3). Last evaluated 2026-01-18.

Allele frequency attached by ClinVar (database versions not stated): gnomAD exomes 0.00284; ExAC 0.00358; gnomAD 0.01112 and 0.01183; 1000 Genomes Project 0.01258; TOPMed 0.01258; 1000 Genomes Project 30x 0.01265; ESP Exome Variant Server 0.01284.
gnomAD v4.1: 3,324 of 1,613,894 alleles (0.21%); highest among the groups gnomAD compares: African/African-American, 3.9%; 70 homozygotes.

Submissions (3):

Labcorp Genetics (formerly Invitae), Labcorp
Classification: Benign. Last evaluated: 2026-01-18. Review status: criteria provided, single submitter. Criteria: Invitae Variant Classification Sherloc (09022015). Collection method: clinical testing. Allele origin: germline.

Mayo Clinic Laboratories, Mayo Clinic
Classification: Benign. Last evaluated: 2025-02-18. Review status: criteria provided, single submitter. Criteria: ACMG Guidelines, 2015. Collection method: clinical testing. Allele origin: germline. Observed: 2 variant alleles.
Comment: BS1, BS2, BP4_moderate

Breakthrough Genomics
Classification: Benign. Review status: criteria provided, single submitter. Criteria: ACMG Guidelines, 2015. Collection method: not provided. Allele origin: germline. Inheritance: Autosomal recessive inheritance. Affected: yes.